The following is an entry in ClinVar:

ClinVar aggregate classification (germline): Uncertain significance. Review status: criteria provided, multiple submitters, no conflicts (2 of 4 stars). 3 submissions from 3 submitters: Uncertain significance (3). Last evaluated 2022-05-17.

Conditions:
Inborn genetic diseases. Identifiers: MedGen C0950123, MeSH D030342.
Cerebellar ataxia, impaired intellectual development, and dysequilibrium syndrome 1. Also called: VLDLR Cerebellar Hypoplasia; Cerebellar ataxia, intellectual disability, and dysequilibrium syndrome 1; CEREBELLAR ATAXIA AND MENTAL RETARDATION WITH OR WITHOUT QUADRUPEDAL LOCOMOTION 1; CEREBELLAR ATAXIA, CONGENITAL, AND MENTAL RETARDATION, AUTOSOMAL RECESSIVE; Cerebellar hypoplasia and mental retardation with or without quadrupedal locomotion 1; Cerebellar ataxia, mental retardation, and dysequilibrium syndrome 1. Identifiers: Orphanet 1766, MedGen C4551552, MONDO:0024542, OMIM 224050.

Allele frequency attached by ClinVar (database versions not stated): gnomAD 0.00002; TOPMed 0.00002; gnomAD exomes 0.00003; ExAC 0.00002.
gnomAD v4.1: 19 of 1,614,004 alleles (0.0012%); highest among the groups gnomAD compares: Admixed American, 0.03%; no homozygotes.

Submissions (3):

Labcorp Genetics (formerly Invitae), Labcorp
Classification: Uncertain significance. Last evaluated: 2022-05-17. Review status: criteria provided, single submitter. Criteria: Invitae Variant Classification Sherloc (09022015). Collection method: clinical testing. Allele origin: germline.
Comment: This sequence change replaces isoleucine, which is neutral and non-polar, with threonine, which is neutral and polar, at codon 235 of the VLDLR protein (p.Ile235Thr). This variant is present in population databases (rs778029251, gnomAD 0.02%). This variant has not been reported in the literature in individuals affected with VLDLR-related conditions. ClinVar contains an entry for this variant (Variation ID: 1032127). Algorithms developed to predict the effect of missense changes on protein structure and function output the following: SIFT: "Not Available"; PolyPhen-2: "Benign"; Align-GVGD: "Not Available". The threonine amino acid residue is found in multiple mammalian species, which suggests that this missense change does not adversely affect protein function. In summary, the available evidence is currently insufficient to determine the role of this variant in disease. Therefore, it has been classified as a Variant of Uncertain Significance.

Ambry Genetics
Classification: Uncertain significance for Inborn genetic diseases. Last evaluated: 2021-07-06. Review status: criteria provided, single submitter. Criteria: Ambry Variant Classification Scheme 2023. Collection method: clinical testing. Allele origin: germline.

Baylor Genetics
Classification: Uncertain significance for Cerebellar ataxia, impaired intellectual development, and dysequilibrium syndrome 1. Last evaluated: 2018-06-22. Review status: criteria provided, single submitter. Criteria: ACMG Guidelines, 2015. Collection method: clinical testing. Allele origin: paternal. Affected: yes.
Comment: This variant was determined to be of uncertain significance according to ACMG Guidelines, 2015 [PMID:25741868].

NM_003383.5(VLDLR):c.704T>C (p.Ile235Thr)

Gene: VLDLR (very low density lipoprotein receptor; plus strand). Cytogenetic location: 9p24.2.
Variant type: single nucleotide variant.
Coding change: c.704T>C on transcript NM_003383.5 (MANE Select); coding-DNA position 704, T replaced by C.
Protein change: p.Ile235Thr; replaces isoleucine 235 with threonine.
Molecular consequence: missense variant.
Genome position (GRCh38, 1-based): chr9:2,643,415, T>C. VCF-style: chr9-2643415-T-C. GRCh37 (hg19) VCF-style: chr9-2643415-T-C.
Other names: c.704T>C, p.Ile235Thr (NM_001018056.3); c.581T>C, p.Ile194Thr (NM_001322225.2, NM_001322226.2); short protein forms I194T, I235T.
Identifiers: ClinVar variation 1032127 (VCV001032127.4), dbSNP rs778029251, ClinGen allele CA4964607.